The following is an entry in ClinVar:

NM_182961.4(SYNE1):c.11083-8T>C

Gene: SYNE1 (spectrin repeat containing nuclear envelope protein 1; minus strand). Cytogenetic location: 6q25.2.
Variant type: single nucleotide variant.
Coding change: c.11083-8T>C on transcript NM_182961.4 (MANE Select); 8 bases into the intron before coding-DNA position 11083, T replaced by C.
Molecular consequence: intron variant.
Genome position (GRCh38, 1-based): chr6:152,353,441, A>G on the plus strand (T>C on the coding strand, the complement: SYNE1 is on the minus strand). VCF-style: chr6-152353441-A-G. GRCh37 (hg19) VCF-style: chr6-152674576-A-G.
Other names: c.11038-8T>C (NM_033071.5).
Identifiers: ClinVar variation 1676046 (VCV001676046.38), dbSNP rs752554466, ClinGen allele CA4056776.

ClinVar aggregate classification (germline): Conflicting classifications of pathogenicity. Review status: criteria provided, conflicting classifications (1 of 4 stars). 2 submissions from 2 submitters: Uncertain significance (1); Likely benign (1). Last evaluated 2025-06-06.

Conditions:
Autosomal recessive ataxia, Beauce type. Also called: Spinocerebellar ataxia, autosomal recessive 8; ATAXIA, RECESSIVE, OF BEAUCE; SYNE1-Related Autosomal Recessive Cerebellar Ataxia; SYNE1 Deficiency. Identifiers: Orphanet 88644, MedGen C1853116, MONDO:0012549, OMIM 610743.
Emery-Dreifuss muscular dystrophy 4, autosomal dominant (EDMD4). Also called: EMERY-DREIFUSS MUSCULAR DYSTROPHY 4 WITH VARIABLE FEATURES. Identifiers: Orphanet 261, MedGen C2751807, MONDO:0013071, OMIM 612998.

Allele frequency attached by ClinVar (database versions not stated): gnomAD exomes below 0.00001 and 0.00001; ExAC 0.00001; gnomAD 0.00001; TOPMed 0.00002.
gnomAD v4.1: 8 of 1,614,082 alleles (0.0005%); highest among the groups gnomAD compares: Non-Finnish European, 0.00059%; no homozygotes.

Submissions (2):

Labcorp Genetics (formerly Invitae), Labcorp
Classification: Likely benign for Emery-Dreifuss muscular dystrophy 4, autosomal dominant; Autosomal recessive ataxia, Beauce type. Last evaluated: 2025-06-06. Review status: criteria provided, single submitter. Criteria: Invitae Variant Classification Sherloc (09022015). Collection method: clinical testing. Allele origin: germline.

CeGaT Center for Human Genetics Tuebingen
Classification: Uncertain significance. Last evaluated: 2022-03-01. Review status: criteria provided, single submitter. Criteria: CeGaT Center For Human Genetics Tuebingen Variant Classification Criteria Version 2. Collection method: clinical testing. Allele origin: germline. Affected: yes. Observed: 1 variant allele.
Comment: SYNE1: PM2, BP4